The following is an entry in ClinVar:

NM_174878.3(CLRN1):c.387A>C (p.Glu129Asp)

Gene: CLRN1 (clarin 1; minus strand). Cytogenetic location: 3q25.1.
Variant type: single nucleotide variant.
Coding change: c.387A>C on transcript NM_174878.3 (MANE Select); coding-DNA position 387, A replaced by C.
Protein change: p.Glu129Asp; replaces glutamic acid 129 with aspartic acid.
Molecular consequence: missense variant. On other transcripts: 3 prime UTR variant (1), non-coding transcript variant (1).
Genome position (GRCh38, 1-based): chr3:150,941,628, T>G on the plus strand (A>C on the coding strand, the complement: CLRN1 is on the minus strand). VCF-style: chr3-150941628-T-G. GRCh37 (hg19) VCF-style: chr3-150659415-T-G.
Other names: c.387A>C, p.Glu129Asp (NM_001195794.1); c.*1A>C (NM_001256819.2); c.159A>C, p.Glu53Asp (NM_052995.2); short protein forms E53D, E129D.
Identifiers: ClinVar variation 2157326 (VCV002157326.1), dbSNP rs1713848489, ClinGen allele CA354955463.

ClinVar aggregate classification (germline): Uncertain significance (1 of 4 stars; one submission).

Allele frequency attached by ClinVar (database versions not stated): TOPMed below 0.00001.

Submission:

Labcorp Genetics (formerly Invitae), Labcorp
Classification: Uncertain significance. Last evaluated: 2022-04-06. Review status: criteria provided, single submitter. Criteria: Invitae Variant Classification Sherloc (09022015). Collection method: clinical testing. Allele origin: germline.
Comment: This sequence change replaces glutamic acid, which is acidic and polar, with aspartic acid, which is acidic and polar, at codon 129 of the CLRN1 protein (p.Glu129Asp). This variant is not present in population databases (gnomAD no frequency). This variant has not been reported in the literature in individuals affected with CLRN1-related conditions. Algorithms developed to predict the effect of missense changes on protein structure and function are either unavailable or do not agree on the potential impact of this missense change (SIFT: "Deleterious"; PolyPhen-2: "Possibly Damaging"; Align-GVGD: "Class C0"). In summary, the available evidence is currently insufficient to determine the role of this variant in disease. Therefore, it has been classified as a Variant of Uncertain Significance.